The following is an entry in ClinVar:

NM_000138.5(FBN1):c.4767dup (p.Pro1590fs)

Gene: FBN1 (fibrillin 1; minus strand). Cytogenetic location: 15q21.1.
Variant type: Duplication.
Coding change: c.4767dup on transcript NM_000138.5 (MANE Select); coding-DNA position 4767, one base duplicated (T; older notation c.4767dupT).
Protein change: p.Pro1590fs; shifts the reading frame from proline 1590.
Molecular consequence: frameshift variant.
Genome position (GRCh38, 1-based): chr15:48,465,839, A duplicated on the plus strand (T on the coding strand, the reverse complement: FBN1 is on the minus strand). VCF-style (leftmost placement, unchanged base first): chr15-48465838-G-GA. GRCh37 (hg19) VCF-style: chr15-48758035-G-GA.
Other names: c.4767dup, p.Pro1590Serfs (NM_001406716.1); short protein forms P1590fs.
Identifiers: ClinVar variation 2091329 (VCV002091329.4), dbSNP rs2505497751, ClinGen allele CA2580089649.

ClinVar aggregate classification (germline): Pathogenic (1 of 4 stars; one submission).

Conditions:
Familial thoracic aortic aneurysm and aortic dissection (TAAD). Also called: Thoracic aortic aneurysms and dissections. Identifiers: Orphanet 91387, MedGen C4707243, MONDO:0019625.
Marfan syndrome (MFS). Also called: MARFAN SYNDROME, TYPE I; Marfan syndrome type 1; Marfan's syndrome; Marfan syndrome, classic; FBN1-Related Marfan Syndrome. Identifiers: Orphanet 284963, Orphanet 558, MedGen C0024796, MONDO:0007947, OMIM 154700.

Submission:

Labcorp Genetics (formerly Invitae), Labcorp
Classification: Pathogenic for Marfan syndrome; Familial thoracic aortic aneurysm and aortic dissection. Last evaluated: 2023-09-05. Review status: criteria provided, single submitter. Criteria: Invitae Variant Classification Sherloc (09022015). Collection method: clinical testing. Allele origin: germline.
Comment: For these reasons, this variant has been classified as Pathogenic. ClinVar contains an entry for this variant (Variation ID: 2091329). This variant has not been reported in the literature in individuals affected with FBN1-related conditions. This variant is not present in population databases (gnomAD no frequency). This sequence change creates a premature translational stop signal (p.Pro1590Serfs*19) in the FBN1 gene. It is expected to result in an absent or disrupted protein product. Loss-of-function variants in FBN1 are known to be pathogenic (PMID: 17657824, 19293843).

Literature cited by the submitters: PubMed 17657824; PubMed 19293843.